The following is an entry in ClinVar:

NM_004706.4(ARHGEF1):c.880G>A (p.Glu294Lys)

Gene: ARHGEF1 (Rho guanine nucleotide exchange factor 1; plus strand). Cytogenetic location: 19q13.2.
Variant type: single nucleotide variant.
Coding change: c.880G>A on transcript NM_004706.4 (MANE Select); coding-DNA position 880, G replaced by A.
Protein change: p.Glu294Lys; replaces glutamic acid 294 with lysine.
Molecular consequence: missense variant.
Genome position (GRCh38, 1-based): chr19:41,895,351, G>A. VCF-style: chr19-41895351-G-A. GRCh37 (hg19) VCF-style: chr19-42399424-G-A.
Other names: c.781G>A, p.Glu261Lys (NM_198977.2); c.925G>A, p.Glu309Lys (NM_199002.2); short protein forms E261K, E294K, E309K.
Identifiers: ClinVar variation 1043443 (VCV001043443.8), dbSNP rs782657499, ClinGen allele CA9466107.
Genomic context (GRCh38, chr19:41,895,351, plus strand): 5'-TTGTGGATTTGAGTTACTGTTCTCTTATCTCCCTCTTTCTCCCTCACTGTCTCCCCAGCC[G>A]AGAAGCCAGGTGCTACAGACCGGAAGGGAGGCGTGGGGATGCCCTCTCGGGACCGGAATA-3'
Protein context (NP_004697.2, residues 284-304): FRHLKAEVDA[Glu294Lys]KPGATDRKGG

ClinVar aggregate classification (germline): Uncertain significance (1 of 4 stars; one submission).

Allele frequency attached by ClinVar (database versions not stated): gnomAD exomes 0.00001; TOPMed 0.00001; ExAC 0.00003.
gnomAD v4.1: 7 of 1,605,382 alleles (0.00044%); highest among the groups gnomAD compares: South Asian, 0.0011%; no homozygotes.

Submission:

Labcorp Genetics (formerly Invitae), Labcorp
Classification: Uncertain significance. Last evaluated: 2020-10-19. Review status: criteria provided, single submitter. Criteria: Invitae Variant Classification Sherloc (09022015). Collection method: clinical testing. Allele origin: germline.
Comment: In summary, the available evidence is currently insufficient to determine the role of this variant in disease. Therefore, it has been classified as a Variant of Uncertain Significance. Algorithms developed to predict the effect of missense changes on protein structure and function are either unavailable or do not agree on the potential impact of this missense change (SIFT: "Deleterious"; PolyPhen-2: "Benign"; Align-GVGD: "Class C0"). This variant has not been reported in the literature in individuals with ARHGEF1-related conditions. This variant is present in population databases (rs782657499, ExAC 0.005%). This sequence change replaces glutamic acid with lysine at codon 309 of the ARHGEF1 protein (p.Glu309Lys). The glutamic acid residue is highly conserved and there is a small physicochemical difference between glutamic acid and lysine.